The following is an entry in ClinVar:

NM_014846.4(WASHC5):c.2842A>G (p.Ile948Val)

Genes: WASHC5 (WASH complex subunit 5; minus strand), WASHC5-AS1 (WASHC5 antisense RNA 1; plus strand). Cytogenetic location: 8q24.13.
Variant type: single nucleotide variant.
Coding change: c.2842A>G on transcript NM_014846.4 (MANE Select); coding-DNA position 2842, A replaced by G.
Protein change: p.Ile948Val; replaces isoleucine 948 with valine.
Molecular consequence: missense variant.
Genome position (GRCh38, 1-based): chr8:125,043,833, T>C on the plus strand (A>G on the coding strand, the complement: WASHC5 is on the minus strand). VCF-style: chr8-125043833-T-C. GRCh37 (hg19) VCF-style: chr8-126056075-T-C.
Other names: c.2398A>G, p.Ile800Val (NM_001330609.2); short protein forms I800V, I948V.
Identifiers: ClinVar variation 2935931 (VCV002935931.3), dbSNP rs759801315, ClinGen allele CA4873421.

ClinVar aggregate classification (germline): Uncertain significance (1 of 4 stars; one submission).

Conditions:
Hereditary spastic paraplegia 8 (SPG8). Also called: SPASTIC PARAPLEGIA 8, AUTOSOMAL DOMINANT. Identifiers: Orphanet 100989, MedGen C1863704, MONDO:0011339, OMIM 603563.
Ritscher-Schinzel syndrome. Also called: CRANIOCEREBELLOCARDIAC DYSPLASIA. Identifiers: Orphanet 7, MedGen C0796137, MONDO:0019078.

Allele frequency attached by ClinVar (database versions not stated): gnomAD 0.00001; ExAC 0.00003; TOPMed 0.00001.

Submission:

Labcorp Genetics (formerly Invitae), Labcorp
Classification: Uncertain significance for Ritscher-Schinzel syndrome; Hereditary spastic paraplegia 8. Last evaluated: 2024-01-06. Review status: criteria provided, single submitter. Criteria: Invitae Variant Classification Sherloc (09022015). Collection method: clinical testing. Allele origin: germline.
Comment: This sequence change replaces isoleucine, which is neutral and non-polar, with valine, which is neutral and non-polar, at codon 948 of the WASHC5 protein (p.Ile948Val). This variant is present in population databases (rs759801315, gnomAD 0.03%). This variant has not been reported in the literature in individuals affected with WASHC5-related conditions. Advanced modeling of protein sequence and biophysical properties (such as structural, functional, and spatial information, amino acid conservation, physicochemical variation, residue mobility, and thermodynamic stability) performed at Invitae indicates that this missense variant is not expected to disrupt WASHC5 protein function with a negative predictive value of 80%. In summary, the available evidence is currently insufficient to determine the role of this variant in disease. Therefore, it has been classified as a Variant of Uncertain Significance.